The following is an entry in ClinVar:

ClinVar aggregate classification (germline): Benign/Likely benign. Review status: criteria provided, multiple submitters, no conflicts (2 of 4 stars). 9 submissions from 9 submitters: Benign (5); Likely benign (4). Last evaluated 2026-09-01.

Conditions:
Gastric cancer. Also called: Malignant tumor of stomach; Stomach cancer. Identifiers: MedGen C0024623, MeSH D013274, MONDO:0001056, OMIM 613659, HP:0012126.
Familial adenomatous polyposis 2. Also called: MYH-associated polyposis; MUTYH-associated polyposis; MUTYH Polyposis; COLORECTAL ADENOMATOUS POLYPOSIS, AUTOSOMAL RECESSIVE; Adenomas, multiple colorectal; ADENOMAS, MULTIPLE COLORECTAL, AUTOSOMAL RECESSIVE. Identifiers: Orphanet 220460, Orphanet 247798, MedGen C3272841, MONDO:0012041, OMIM 608456.
Inherited polyposis and early onset colorectal cancer - germline testing.
Hereditary cancer-predisposing syndrome. Also called: Hereditary Cancer Syndrome; Tumor predisposition; Neoplastic Syndromes, Hereditary; Hereditary neoplastic syndrome. Identifiers: Orphanet 140162, MedGen C0027672, MeSH D009386, MONDO:0015356.

Allele frequency attached by ClinVar (database versions not stated): 1000 Genomes Project 30x 0.00297; 1000 Genomes Project 0.00339; TOPMed 0.00514; ESP Exome Variant Server 0.00569.
gnomAD v4.1: 12,281 of 1,613,888 alleles (0.76%); highest among the groups gnomAD compares: Non-Finnish European, 0.81%; 74 homozygotes.

Submissions (9):

CeGaT Center for Human Genetics Tuebingen
Classification: Likely benign. Last evaluated: 2026-09-01. Review status: criteria provided, single submitter. Criteria: CeGaT Center For Human Genetics Tuebingen Variant Classification Criteria Version 2. Collection method: clinical testing. Allele origin: germline. Affected: yes. Observed: 66 variant alleles.
Comment: MUTYH: BS2

Cambridge Genomics Laboratory, East Genomic Laboratory Hub, NHS Genomic Medicine Service
Classification: Benign for Inherited polyposis and early onset colorectal cancer - germline testing. Last evaluated: 2026-04-09. Review status: criteria provided, single submitter. Criteria: ACGS Best Practice Guidelines for Variant Classification in Rare Disease 2020. Collection method: clinical testing. Allele origin: germline. Affected: yes.
Comment: BS1_Strong,BP4,BP7

Labcorp Genetics (formerly Invitae), Labcorp
Classification: Benign for Familial adenomatous polyposis 2. Last evaluated: 2025-12-15. Review status: criteria provided, single submitter. Criteria: Invitae Variant Classification Sherloc (09022015). Collection method: clinical testing. Allele origin: germline.

Center for Genomic Medicine, Rigshospitalet, Copenhagen University Hospital
Classification: Likely benign. Last evaluated: 2025-03-04. Review status: criteria provided, single submitter. Criteria: ACMG Guidelines, 2015. Collection method: clinical testing. Allele origin: germline.

Fulgent Genetics
Classification: Likely benign for Familial adenomatous polyposis 2; Gastric cancer. Last evaluated: 2021-11-15. Review status: criteria provided, single submitter. Criteria: ACMG Guidelines, 2015. Collection method: clinical testing. Allele origin: unknown.

Sema4
Classification: Benign for Hereditary cancer-predisposing syndrome. Last evaluated: 2020-08-21. Review status: criteria provided, single submitter. Criteria: Sema4 Curation Guidelines. Collection method: curation. Allele origin: germline.

Mendelics
Classification: Benign for Familial adenomatous polyposis 2. Last evaluated: 2019-05-28. Review status: criteria provided, single submitter. Criteria: Mendelics Assertion Criteria 2017. Collection method: clinical testing. Allele origin: unknown.

ARUP Laboratories, Molecular Genetics and Genomics, ARUP Laboratories
Classification: Benign. Last evaluated: 2018-09-23. Review status: criteria provided, single submitter. Criteria: ARUP Molecular Germline Variant Investigation Process. Collection method: clinical testing. Allele origin: germline.

GeneDx
Classification: Likely benign. Last evaluated: 2018-06-21. Review status: criteria provided, single submitter. Criteria: GeneDx Variant Classification Process June 2021. Collection method: clinical testing. Allele origin: germline. Affected: yes.
Comment: This variant is associated with the following publications: (PMID: 27829682)

NM_001048174.2(MUTYH):c.606+21C>A

Gene: MUTYH (mutY DNA glycosylase; minus strand). Cytogenetic location: 1p34.1.
Variant type: single nucleotide variant.
Coding change: c.606+21C>A on transcript NM_001048174.2 (MANE Select); 21 bases into the intron after coding-DNA position 606, C replaced by A.
Molecular consequence: intron variant.
Genome position (GRCh38, 1-based): chr1:45,332,553, G>T on the plus strand (C>A on the coding strand, the complement: MUTYH is on the minus strand). VCF-style: chr1-45332553-G-T. GRCh37 (hg19) VCF-style: chr1-45798225-G-T.
Other names: c.261+21C>A (NM_001350651.2, NM_001350650.2); c.330+21C>A (NM_001293192.2, NM_001293196.2); c.606+21C>A (NM_001048171.2, NM_001048173.2, NM_001293195.2); c.651+21C>A (NM_001293190.2); c.681+21C>A (NM_012222.3); c.690+21C>A (NM_001128425.2); c.609+21C>A (NM_001048172.2); c.639+21C>A (NM_001293191.2).
Identifiers: ClinVar variation 801477 (VCV000801477.56), dbSNP rs148552450, ClinGen allele CA058608.